The following is an entry in ClinVar:

NM_001846.4(COL4A2):c.2152C>T (p.Pro718Ser)

Gene: COL4A2 (collagen type IV alpha 2 chain; plus strand). Cytogenetic location: 13q34.
Variant type: single nucleotide variant.
Coding change: c.2152C>T on transcript NM_001846.4 (MANE Select); coding-DNA position 2152, C replaced by T.
Protein change: p.Pro718Ser; replaces proline 718 with serine.
Molecular consequence: missense variant.
Genome position (GRCh38, 1-based): chr13:110,469,273, C>T. VCF-style: chr13-110469273-C-T. GRCh37 (hg19) VCF-style: chr13-111121620-C-T.
Other names: short protein forms P718S.
Identifiers: ClinVar variation 311145 (VCV000311145.19), dbSNP rs9583500, ClinGen allele CA7049857.

ClinVar aggregate classification (germline): Benign. Review status: criteria provided, multiple submitters, no conflicts (2 of 4 stars). 6 submissions from 6 submitters: Benign (6). Last evaluated 2026-02-03.

Conditions:
Brain small vessel disease 2A, autosomal dominant. Also called: Porencephaly 2. Identifiers: Orphanet 2940, Orphanet 99810, MedGen C3280970, MONDO:0013773, OMIM 614483.

Allele frequency attached by ClinVar (database versions not stated): gnomAD exomes 0.17513 and 0.19604; 1000 Genomes Project 0.19089; 1000 Genomes Project 30x 0.19863; gnomAD 0.22590 and 0.23344; ESP Exome Variant Server 0.23106; TOPMed 0.23419; ExAC 0.25539.
gnomAD v4.1: 319,247 of 1,602,244 alleles (20%); highest among the groups gnomAD compares: Middle Eastern, 33%; 34,521 homozygotes.

Submissions (6):

Labcorp Genetics (formerly Invitae), Labcorp
Classification: Benign. Last evaluated: 2026-02-03. Review status: criteria provided, single submitter. Criteria: Invitae Variant Classification Sherloc (09022015). Collection method: clinical testing. Allele origin: germline.

Mayo Clinic Laboratories, Mayo Clinic
Classification: Benign. Last evaluated: 2022-04-26. Review status: criteria provided, single submitter. Criteria: ACMG Guidelines, 2015. Collection method: clinical testing. Allele origin: germline. Observed: 116 variant alleles.

Genome-Nilou Lab
Classification: Benign for Brain small vessel disease 2A, autosomal dominant. Last evaluated: 2021-07-22. Review status: criteria provided, single submitter. Criteria: ACMG Guidelines, 2015. Collection method: clinical testing. Allele origin: germline. Affected: no.

GeneDx
Classification: Benign. Last evaluated: 2018-03-24. Review status: criteria provided, single submitter. Criteria: GeneDx Variant Classification (06012015). Collection method: clinical testing. Allele origin: germline. Affected: yes.
Comment: This variant is considered likely benign or benign based on one or more of the following criteria: it is a conservative change, it occurs at a poorly conserved position in the protein, it is predicted to be benign by multiple in silico algorithms, and/or has population frequency not consistent with disease.

Illumina Laboratory Services, Illumina
Classification: Benign for Brain small vessel disease 2A, autosomal dominant. Last evaluated: 2018-01-13. Review status: criteria provided, single submitter. Criteria: ICSL Variant Classification Criteria 13 December 2019. Collection method: clinical testing. Allele origin: germline.
Comment: This variant was observed in the ICSL laboratory as part of a predisposition screen in an ostensibly healthy population. It had not been previously curated by ICSL or reported in the Human Gene Mutation Database (HGMD: prior to June 1st, 2018), and was therefore a candidate for classification through an automated scoring system. Utilizing variant allele frequency, disease prevalence and penetrance estimates, and inheritance mode, an automated score was calculated to assess if this variant is too frequent to cause the disease. Based on the score and internal cut-off values, a variant classified as benign is not then subjected to further curation. The score for this variant resulted in a classification of benign for this disease.

Breakthrough Genomics
Classification: Benign. Review status: criteria provided, single submitter. Criteria: ACMG Guidelines, 2015. Collection method: not provided. Allele origin: germline. Inheritance: Autosomal dominant inheritance. Affected: yes.